The following is an entry in ClinVar:

ClinVar aggregate classification (germline): Uncertain significance (1 of 4 stars; one submission).

Conditions:
RAB23-related disorder. Also called: RAB23-related condition.

gnomAD v4.1: 6 of 1,612,008 alleles (0.00037%); highest among the groups gnomAD compares: Non-Finnish European, 0.00051%; no homozygotes.

Submission:

PreventionGenetics, part of Exact Sciences
Classification: Uncertain significance for RAB23-related condition. Last evaluated: 2025-12-09. Review status: criteria provided, single submitter. Criteria: ACMG Guidelines, 2015. Collection method: clinical testing. Allele origin: germline.
Comment: The RAB23 c.466C>G variant is predicted to result in the amino acid substitution p.Leu156Val. To our knowledge, this variant has not been reported in the literature or in a large population database (gnomAD), indicating this variant is rare. At this time, the clinical significance of this variant is uncertain due to the absence of conclusive functional and genetic evidence.

NM_016277.5(RAB23):c.466C>G (p.Leu156Val)

Gene: RAB23 (RAB23, member RAS oncogene family; minus strand). Cytogenetic location: 6p12.1.
Variant type: single nucleotide variant.
Coding change: c.466C>G on transcript NM_016277.5 (MANE Select); coding-DNA position 466, C replaced by G.
Protein change: p.Leu156Val; replaces leucine 156 with valine.
Molecular consequence: missense variant.
Genome position (GRCh38, 1-based): chr6:57,194,785, G>C on the plus strand (C>G on the coding strand, the complement: RAB23 is on the minus strand). VCF-style: chr6-57194785-G-C. GRCh37 (hg19) VCF-style: chr6-57059583-G-C.
Other names: c.466C>G, p.Leu156Val (NM_001278666.2, NM_001278667.2, NM_001278668.2 and 1 more transcripts); short protein forms L156V.
Identifiers: ClinVar variation 4995951 (VCV004995951.1).